The following is an entry in ClinVar:

NM_001371928.1(AHDC1):c.4692C>A (p.Tyr1564Ter)

Gene: AHDC1 (AT-hook DNA binding motif containing 1; minus strand). Cytogenetic location: 1p36.11.
Variant type: single nucleotide variant.
Coding change: c.4692C>A on transcript NM_001371928.1 (MANE Select); coding-DNA position 4692, C replaced by A.
Protein change: p.Tyr1564Ter; replaces tyrosine 1564 with a stop codon.
Molecular consequence: nonsense.
Genome position (GRCh38, 1-based): chr1:27,547,424, G>T on the plus strand (C>A on the coding strand, the complement: AHDC1 is on the minus strand). VCF-style: chr1-27547424-G-T. GRCh37 (hg19) VCF-style: chr1-27873935-G-T.
Other names: c.4692C>A, p.Tyr1564Ter (NM_001029882.3); short protein forms Y1564*.
Identifiers: ClinVar variation 4725490 (VCV004725490.1).

ClinVar aggregate classification (germline): Pathogenic (1 of 4 stars; one submission).

Submission:

Labcorp Genetics (formerly Invitae), Labcorp
Classification: Pathogenic. Last evaluated: 2025-08-15. Review status: criteria provided, single submitter. Criteria: Invitae Variant Classification Sherloc (09022015). Collection method: clinical testing. Allele origin: germline.
Comment: This sequence change creates a premature translational stop signal (p.Tyr1564*) in the AHDC1 gene. It is expected to result in an absent or disrupted protein product. Loss-of-function variants in AHDC1 are known to be pathogenic (PMID: 24791903, 27148574). This variant is not present in population databases (gnomAD no frequency). This variant has not been reported in the literature in individuals affected with AHDC1-related conditions. For these reasons, this variant has been classified as Pathogenic.

Literature cited by the submitters: PubMed 24791903; PubMed 27148574.